The following is an entry in ClinVar:

NM_001005242.3(PKP2):c.899C>T (p.Thr300Met)

Gene: PKP2 (plakophilin 2; minus strand). Cytogenetic location: 12p11.21.
Variant type: single nucleotide variant.
Coding change: c.899C>T on transcript NM_001005242.3 (MANE Select); coding-DNA position 899, C replaced by T.
Protein change: p.Thr300Met; replaces threonine 300 with methionine.
Molecular consequence: missense variant.
Genome position (GRCh38, 1-based): chr12:32,877,981, G>A on the plus strand (C>T on the coding strand, the complement: PKP2 is on the minus strand). VCF-style: chr12-32877981-G-A. GRCh37 (hg19) VCF-style: chr12-33030915-G-A.
Other names: c.899C>T, p.Thr300Met (NM_004572.4); c.899C>T (NM_004572.3); short protein forms T300M.
Identifiers: ClinVar variation 1440670 (VCV001440670.12), dbSNP rs553098424, ClinGen allele CA384362066.

ClinVar aggregate classification (germline): Uncertain significance. Review status: criteria provided, multiple submitters, no conflicts (2 of 4 stars). 3 submissions from 3 submitters: Uncertain significance (3). Last evaluated 2025-09-10.

Conditions:
Arrhythmogenic right ventricular dysplasia 9 (ARVD9). Also called: Arrhythmogenic Right Ventricular Dysplasia/Cardiomyopathy 9; ARRHYTHMOGENIC RIGHT VENTRICULAR DYSPLASIA, FAMILIAL, 9. Identifiers: MedGen C1836906, MONDO:0012180, OMIM 609040.
Cardiovascular phenotype. Identifiers: MedGen CN230736.

gnomAD v4.1: 2 of 1,614,050 alleles (0.00012%); highest among the groups gnomAD compares: Non-Finnish European, 0.00017%; no homozygotes.

Submissions (3):

Ambry Genetics
Classification: Uncertain significance for Cardiovascular phenotype. Last evaluated: 2025-09-10. Review status: criteria provided, single submitter. Criteria: Ambry Variant Classification Scheme 2023. Collection method: clinical testing. Allele origin: germline.
Comment: The p.T300M variant (also known as c.899C>T), located in coding exon 3 of the PKP2 gene, results from a C to T substitution at nucleotide position 899. The threonine at codon 300 is replaced by methionine, an amino acid with similar properties. This amino acid position is conserved. In addition, this alteration is predicted to be tolerated by in silico analysis. Since supporting evidence is limited at this time, the clinical significance of this alteration remains unclear.

Labcorp Genetics (formerly Invitae), Labcorp
Classification: Uncertain significance for Arrhythmogenic right ventricular dysplasia 9. Last evaluated: 2024-06-25. Review status: criteria provided, single submitter. Criteria: Invitae Variant Classification Sherloc (09022015). Collection method: clinical testing. Allele origin: germline.
Comment: This sequence change replaces threonine, which is neutral and polar, with methionine, which is neutral and non-polar, at codon 300 of the PKP2 protein (p.Thr300Met). This variant is not present in population databases (gnomAD no frequency). This variant has not been reported in the literature in individuals affected with PKP2-related conditions. ClinVar contains an entry for this variant (Variation ID: 1440670). Algorithms developed to predict the effect of missense changes on protein structure and function output the following: SIFT: "Not Available"; PolyPhen-2: "Benign"; Align-GVGD: "Not Available". The methionine amino acid residue is found in multiple mammalian species, which suggests that this missense change does not adversely affect protein function. In summary, the available evidence is currently insufficient to determine the role of this variant in disease. Therefore, it has been classified as a Variant of Uncertain Significance.

Blueprint Genetics
Classification: Uncertain significance. Last evaluated: 2022-02-22. Review status: criteria provided, single submitter. Criteria: ACMG Guidelines, 2015. Collection method: clinical testing. Allele origin: germline.